The following is an entry in ClinVar:

ClinVar aggregate classification (germline): Uncertain significance (1 of 4 stars; one submission).

Conditions:
Cohen syndrome (COH1). Also called: Cutis verticis gyrata, retinitis pigmentosa, and sensorineural deafness; PEPPER SYNDROME. Identifiers: Orphanet 193, MedGen C0265223, MONDO:0008999, OMIM 216550.

Allele frequency attached by ClinVar (database versions not stated): gnomAD exomes below 0.00001; TOPMed below 0.00001.
gnomAD v4.1: 1 of 1,614,002 alleles (0.000062%); highest among the groups gnomAD compares: Admixed American, 0.0017%; no homozygotes.

Submission:

Labcorp Genetics (formerly Invitae), Labcorp
Classification: Uncertain significance for Cohen syndrome. Last evaluated: 2024-10-29. Review status: criteria provided, single submitter. Criteria: Invitae Variant Classification Sherloc (09022015). Collection method: clinical testing. Allele origin: germline.
Comment: This sequence change replaces cysteine, which is neutral and slightly polar, with arginine, which is basic and polar, at codon 2543 of the VPS13B protein (p.Cys2543Arg). This variant is not present in population databases (gnomAD no frequency). This variant has not been reported in the literature in individuals affected with VPS13B-related conditions. ClinVar contains an entry for this variant (Variation ID: 2168499). Invitae Evidence Modeling of protein sequence and biophysical properties (such as structural, functional, and spatial information, amino acid conservation, physicochemical variation, residue mobility, and thermodynamic stability) indicates that this missense variant is not expected to disrupt VPS13B protein function with a negative predictive value of 80%. In summary, the available evidence is currently insufficient to determine the role of this variant in disease. Therefore, it has been classified as a Variant of Uncertain Significance.

NM_152564.5(VPS13B):c.7552T>C (p.Cys2518Arg)

Gene: VPS13B (vacuolar protein sorting 13 homolog B; plus strand). Cytogenetic location: 8q22.2.
Variant type: single nucleotide variant.
Coding change: c.7552T>C on transcript NM_152564.5 (MANE Select); coding-DNA position 7552, T replaced by C.
Protein change: p.Cys2518Arg; replaces cysteine 2518 with arginine.
Molecular consequence: missense variant.
Genome position (GRCh38, 1-based): chr8:99,778,804, T>C. VCF-style: chr8-99778804-T-C. GRCh37 (hg19) VCF-style: chr8-100791032-T-C.
Other names: c.7627T>C, p.Cys2543Arg (NM_017890.5); short protein forms C2543R, C2518R.
Identifiers: ClinVar variation 2168499 (VCV002168499.2), dbSNP rs1469528778, ClinGen allele CA371876205.
Genomic context (GRCh38, chr8:99,778,804, plus strand): 5'-ATGATTGTTTCCTTCAGAGAACCACACATGTATCTTCGACAGTGGAATAATGGTTCTGTC[T>C]GTCAGGAGATCCAGTTCTTAGCTCAAGCAGACTGTAAACTTCTAGAGTGCAGAAATGTCA-3'
Protein context (NP_689777.3, residues 2508-2528): YLRQWNNGSV[Cys2518Arg]QEIQFLAQAD